The following is an entry in ClinVar:

ClinVar aggregate classification (germline): Likely benign (0 of 4 stars; one submission).

Conditions:
EP300-related disorder. Also called: EP300-related disorders; EP300-related condition.

gnomAD v4.1: 3 of 1,614,114 alleles (0.00019%); highest among the groups gnomAD compares: Non-Finnish European, 0.00025%; no homozygotes.

Submission:

PreventionGenetics, part of Exact Sciences
Classification: Likely benign for EP300-related condition. Last evaluated: 2023-01-30. Review status: no assertion criteria provided. Collection method: clinical testing. Allele origin: germline.
Comment: This variant is classified as likely benign based on ACMG/AMP sequence variant interpretation guidelines (Richards et al. 2015 PMID: 25741868, with internal and published modifications).

NM_001429.4(EP300):c.6C>T (p.Ala2=)

Gene: EP300 (E1A binding protein p300; plus strand). Cytogenetic location: 22q13.2.
Variant type: single nucleotide variant.
Coding change: c.6C>T on transcript NM_001429.4 (MANE Select); coding-DNA position 6, C replaced by T.
Protein change: p.Ala2=; no amino-acid change (alanine 2 retained).
Molecular consequence: synonymous variant.
Genome position (GRCh38, 1-based): chr22:41,093,010, C>T. VCF-style: chr22-41093010-C-T. GRCh37 (hg19) VCF-style: chr22-41489014-C-T.
Other names: c.6C>T, p.Ala2= (NM_001362843.2).
Identifiers: ClinVar variation 3356130 (VCV003356130.1).